The following is an entry in ClinVar:

ClinVar aggregate classification (germline): Conflicting classifications of pathogenicity. Review status: criteria provided, conflicting classifications (1 of 4 stars). 2 submissions from 2 submitters: Uncertain significance (1); Likely benign (1). Last evaluated 2026-01-01.

Conditions:
Inborn genetic diseases. Identifiers: MedGen C0950123, MeSH D030342.

gnomAD v4.1: 26 of 1,614,156 alleles (0.0016%); highest among the groups gnomAD compares: Middle Eastern, 0.066%; 1 homozygote.

Submissions (2):

CeGaT Center for Human Genetics Tuebingen
Classification: Likely benign. Last evaluated: 2026-01-01. Review status: criteria provided, single submitter. Criteria: CeGaT Center For Human Genetics Tuebingen Variant Classification Criteria Version 2. Collection method: clinical testing. Allele origin: germline. Affected: yes. Observed: 1 variant allele.
Comment: SPEN: BP4

Ambry Genetics
Classification: Uncertain significance for Inborn genetic diseases. Last evaluated: 2024-12-04. Review status: criteria provided, single submitter. Criteria: Ambry Variant Classification Scheme 2023. Collection method: clinical testing. Allele origin: germline.

NM_015001.3(SPEN):c.3407T>C (p.Leu1136Pro)

Gene: SPEN (spen family transcriptional repressor; plus strand). Cytogenetic location: 1p36.13.
Variant type: single nucleotide variant.
Coding change: c.3407T>C on transcript NM_015001.3 (MANE Select); coding-DNA position 3407, T replaced by C.
Protein change: p.Leu1136Pro; replaces leucine 1136 with proline.
Molecular consequence: missense variant.
Genome position (GRCh38, 1-based): chr1:15,929,647, T>C. VCF-style: chr1-15929647-T-C. GRCh37 (hg19) VCF-style: chr1-16256142-T-C.
Other names: short protein forms L1136P.
Identifiers: ClinVar variation 3448387 (VCV003448387.5).